The following is an entry in ClinVar:

ClinVar aggregate classification (germline): Uncertain significance (1 of 4 stars; one submission).

Conditions:
Charcot-Marie-Tooth disease type 2. Also called: Charcot-Marie-Tooth type 2. Identifiers: Orphanet 64746, MedGen C0270914, MONDO:0018993.

Submission:

Labcorp Genetics (formerly Invitae), Labcorp
Classification: Uncertain significance for Charcot-Marie-Tooth disease type 2. Last evaluated: 2022-08-09. Review status: criteria provided, single submitter. Criteria: Invitae Variant Classification Sherloc (09022015). Collection method: clinical testing. Allele origin: germline.
Comment: In summary, the available evidence is currently insufficient to determine the role of this variant in disease. Therefore, it has been classified as a Variant of Uncertain Significance. Variants that disrupt the consensus splice site are a relatively common cause of aberrant splicing (PMID: 17576681, 9536098). Algorithms developed to predict the effect of sequence changes on RNA splicing suggest that this variant is not likely to affect RNA splicing. ClinVar contains an entry for this variant (Variation ID: 1682319). This variant has not been reported in the literature in individuals affected with AARS-related conditions. This variant is not present in population databases (gnomAD no frequency). This sequence change falls in intron 3 of the AARS gene. It does not directly change the encoded amino acid sequence of the AARS protein. It affects a nucleotide within the consensus splice site.

Literature cited by the submitters: PubMed 17576681; PubMed 9536098.

NM_001605.3(AARS1):c.333+4A>C

Gene: AARS1 (alanyl-tRNA synthetase 1; minus strand). Cytogenetic location: 16q22.1.
Variant type: single nucleotide variant.
Coding change: c.333+4A>C on transcript NM_001605.3 (MANE Select); 4 bases into the intron after coding-DNA position 333, A replaced by C.
Molecular consequence: intron variant.
Genome position (GRCh38, 1-based): chr16:70,276,962, T>G on the plus strand (A>C on the coding strand, the complement: AARS1 is on the minus strand). VCF-style: chr16-70276962-T-G. GRCh37 (hg19) VCF-style: chr16-70310865-T-G.
Identifiers: ClinVar variation 1682319 (VCV001682319.6), dbSNP rs2152166953, ClinGen allele CA2573152544.